The following is an entry in ClinVar:

ClinVar aggregate classification (germline): Pathogenic (1 of 4 stars; one submission).

Conditions:
Propionic acidemia (PROP). Also called: GLYCINEMIA, KETOTIC; HYPERGLYCINEMIA WITH KETOACIDOSIS AND LEUKOPENIA; KETOTIC HYPERGLYCINEMIA. Identifiers: Orphanet 35, MedGen C0268579, MONDO:0011628, OMIM 606054, HP:0003571.

Allele frequency attached by ClinVar (database versions not stated): gnomAD exomes below 0.00001.

Submission:

Labcorp Genetics (formerly Invitae), Labcorp
Classification: Pathogenic for Propionic acidemia. Last evaluated: 2025-04-25. Review status: criteria provided, single submitter. Criteria: Invitae Variant Classification Sherloc (09022015). Collection method: clinical testing. Allele origin: germline.
Comment: This sequence change creates a premature translational stop signal (p.Val206Cysfs*30) in the PCCA gene. It is expected to result in an absent or disrupted protein product. Loss-of-function variants in PCCA are known to be pathogenic (PMID: 15464417). This variant is not present in population databases (gnomAD no frequency). This variant has not been reported in the literature in individuals affected with PCCA-related conditions. ClinVar contains an entry for this variant (Variation ID: 631694). For these reasons, this variant has been classified as Pathogenic.

Literature cited by the submitters: PubMed 15464417.

NM_000282.4(PCCA):c.615dup (p.Val206fs)

Gene: PCCA (propionyl-CoA carboxylase subunit alpha; plus strand). Cytogenetic location: 13q32.3.
Variant type: Duplication.
Coding change: c.615dup on transcript NM_000282.4 (MANE Select); coding-DNA position 615, one base duplicated (T; older notation c.615dupT).
Protein change: p.Val206fs; shifts the reading frame from valine 206.
Molecular consequence: frameshift variant. On other transcripts: 5 prime UTR variant (3), non-coding transcript variant (5).
Genome position (GRCh38, 1-based): chr13:100,235,856, T duplicated. VCF-style (leftmost placement, unchanged base first): chr13-100235855-C-CT. GRCh37 (hg19) VCF-style: chr13-100888109-C-CT.
Other names: c.537dup, p.Val180fs (NM_001127692.3, NM_001352607.2, NM_001352608.2); c.615dup, p.Val206fs (NM_001178004.2, NM_001352605.2, NM_001352606.2 and 1 more transcripts); c.-252dup (NM_001352610.2, NM_001352611.2, NM_001352612.2); short protein forms V206fs, V180fs.
Identifiers: ClinVar variation 631694 (VCV000631694.11), dbSNP rs1566767338, ClinGen allele CA913190541.